The following is an entry in ClinVar:

NM_015665.6(AAAS):c.1301G>A (p.Arg434Gln)

Gene: AAAS (aladin WD repeat nucleoporin; minus strand). Cytogenetic location: 12q13.13.
Variant type: single nucleotide variant.
Coding change: c.1301G>A on transcript NM_015665.6 (MANE Select); coding-DNA position 1301, G replaced by A.
Protein change: p.Arg434Gln; replaces arginine 434 with glutamine.
Molecular consequence: missense variant.
Genome position (GRCh38, 1-based): chr12:53,308,082, C>T on the plus strand (G>A on the coding strand, the complement: AAAS is on the minus strand). VCF-style: chr12-53308082-C-T. GRCh37 (hg19) VCF-style: chr12-53701866-C-T.
Other names: p.Arg434Gln; c.1202G>A, p.Arg401Gln (NM_001173466.2); short protein forms R434Q, R401Q.
Identifiers: ClinVar variation 309726 (VCV000309726.14), dbSNP rs112579822, ClinGen allele CA6598892.

ClinVar aggregate classification (germline): Benign/Likely benign. Review status: criteria provided, multiple submitters, no conflicts (2 of 4 stars). 3 submissions from 3 submitters: Benign (2); Likely benign (1). Last evaluated 2026-01-29.

Allele frequency attached by ClinVar (database versions not stated): 1000 Genomes Project 30x 0.00016; 1000 Genomes Project 0.00020; TOPMed 0.00038; gnomAD 0.00039 and 0.00042; ESP Exome Variant Server 0.00046; ExAC 0.00063; gnomAD exomes 0.00070.
gnomAD v4.1: 809 of 1,614,150 alleles (0.05%); highest among the groups gnomAD compares: Middle Eastern, 0.12%; 1 homozygote.

Submissions (3):

Labcorp Genetics (formerly Invitae), Labcorp
Classification: Benign. Last evaluated: 2026-01-29. Review status: criteria provided, single submitter. Criteria: Invitae Variant Classification Sherloc (09022015). Collection method: clinical testing. Allele origin: germline.

Mayo Clinic Laboratories, Mayo Clinic
Classification: Likely benign. Last evaluated: 2025-09-10. Review status: criteria provided, single submitter. Criteria: ACMG Guidelines, 2015. Collection method: clinical testing. Allele origin: germline. Observed: 3 variant alleles.
Comment: BA1, PP3

Blueprint Genetics
Classification: Benign. Last evaluated: 2024-11-05. Review status: criteria provided, single submitter. Criteria: ACMG Guidelines, 2015. Collection method: clinical testing. Allele origin: germline.